The following is an entry in ClinVar:

ClinVar aggregate classification (germline): Benign/Likely benign. Review status: criteria provided, multiple submitters, no conflicts (2 of 4 stars). 2 submissions from 2 submitters: Benign (1); Likely benign (1). Last evaluated 2026-09-01.

Conditions:
Familial adenomatous polyposis 1 (FAP1). Also called: FAMILIAL ADENOMATOUS POLYPOSIS 1, ATTENUATED; POLYPOSIS, ADENOMATOUS INTESTINAL. Identifiers: MedGen C2713442, MONDO:0021056, OMIM 175100. Disease mechanism: loss of function.

Allele frequency attached by ClinVar (database versions not stated): gnomAD exomes below 0.00001.
gnomAD v4.1: 1 of 1,614,190 alleles (0.000062%); highest among the groups gnomAD compares: Non-Finnish European, 0.000085%; no homozygotes.

Submissions (2):

CeGaT Center for Human Genetics Tuebingen
Classification: Likely benign. Last evaluated: 2026-09-01. Review status: criteria provided, single submitter. Criteria: CeGaT Center For Human Genetics Tuebingen Variant Classification Criteria Version 2. Collection method: clinical testing. Allele origin: germline. Affected: yes. Observed: 1 variant allele.
Comment: APC: BP4, BP7

Myriad Genetics, Inc.
Classification: Benign for Familial adenomatous polyposis 1. Last evaluated: 2024-03-27. Review status: criteria provided, single submitter. Criteria: Myriad Autosomal Dominant, Autosomal Recessive and X-Linked Classification Criteria (2023). Collection method: clinical testing. Allele origin: unknown.
Comment: This variant is considered benign. This variant is a silent/synonymous amino acid change and it is not expected to impact splicing.

NM_000038.6(APC):c.4632A>G (p.Glu1544=)

Gene: APC (APC regulator of Wnt signaling pathway; plus strand). Cytogenetic location: 5q22.2.
Variant type: single nucleotide variant.
Coding change: c.4632A>G on transcript NM_000038.6 (MANE Select); coding-DNA position 4632, A replaced by G.
Protein change: p.Glu1544=; no amino-acid change (glutamic acid 1544 retained).
Molecular consequence: synonymous variant. On other transcripts: non-coding transcript variant (2).
Genome position (GRCh38, 1-based): chr5:112,840,226, A>G. VCF-style: chr5-112840226-A-G. GRCh37 (hg19) VCF-style: chr5-112175923-A-G.
Other names: c.4632A>G, p.Glu1544= (NM_001127510.3, NM_001354895.2, NM_001407450.1); c.4578A>G, p.Glu1526= (NM_001127511.3); c.4686A>G, p.Glu1562= (NM_001354896.2, NM_001407447.1, NM_001407448.1 and 1 more transcripts); c.4662A>G, p.Glu1554= (NM_001354897.2); c.4557A>G, p.Glu1519= (NM_001354898.2); c.4548A>G, p.Glu1516= (NM_001354899.2); c.4509A>G, p.Glu1503= (NM_001354900.2); c.4455A>G, p.Glu1485= (NM_001354901.2, NM_001407453.1); and 11 more.
Identifiers: ClinVar variation 3147980 (VCV003147980.2), dbSNP rs2149919539, ClinGen allele CA446206634.